The following is an entry in ClinVar:

NM_001369.3(DNAH5):c.624C>T (p.Asn208=)

Gene: DNAH5 (dynein axonemal heavy chain 5; minus strand). Cytogenetic location: 5p15.2.
Variant type: single nucleotide variant.
Coding change: c.624C>T on transcript NM_001369.3 (MANE Select); coding-DNA position 624, C replaced by T.
Protein change: p.Asn208=; no amino-acid change (asparagine 208 retained).
Molecular consequence: synonymous variant.
Genome position (GRCh38, 1-based): chr5:13,922,143, G>A on the plus strand (C>T on the coding strand, the complement: DNAH5 is on the minus strand). VCF-style: chr5-13922143-G-A. GRCh37 (hg19) VCF-style: chr5-13922252-G-A.
Identifiers: ClinVar variation 178758 (VCV000178758.54), dbSNP rs139640247, ClinGen allele CA182951.

ClinVar aggregate classification (germline): Conflicting classifications of pathogenicity. Review status: criteria provided, conflicting classifications (1 of 4 stars). 10 submissions from 10 submitters: Uncertain significance (1); Benign (2); Likely benign (6). 1 of the submissions does not count toward it. Last evaluated 2026-09-01.

Conditions:
Primary ciliary dyskinesia. Also called: Ciliary dyskinesia. Identifiers: Orphanet 244, MedGen C0008780, MONDO:0016575, HP:0012265.
Primary ciliary dyskinesia 3. Identifiers: Orphanet 244, MedGen C1837618, MONDO:0012085, OMIM 608644.

Allele frequency attached by ClinVar (database versions not stated): 1000 Genomes Project 0.00180; 1000 Genomes Project 30x 0.00187; gnomAD 0.00206 and 0.00228; gnomAD exomes 0.00225 and 0.00261; ESP Exome Variant Server 0.00238; ExAC 0.00253; TOPMed 0.00285.
gnomAD v4.1: 3,679 of 1,614,092 alleles (0.23%); highest among the groups gnomAD compares: Admixed American, 0.69%; 10 homozygotes.

Submissions (10):

CeGaT Center for Human Genetics Tuebingen
Classification: Likely benign. Last evaluated: 2026-09-01. Review status: criteria provided, single submitter. Criteria: CeGaT Center For Human Genetics Tuebingen Variant Classification Criteria Version 2. Collection method: clinical testing. Allele origin: germline. Affected: yes. Observed: 6 variant alleles.
Comment: DNAH5: BP4, BP7

Labcorp Genetics (formerly Invitae), Labcorp
Classification: Benign for Primary ciliary dyskinesia. Last evaluated: 2026-02-01. Review status: criteria provided, single submitter. Criteria: Invitae Variant Classification Sherloc (09022015). Collection method: clinical testing. Allele origin: germline.

Blueprint Genetics
Classification: Likely benign. Last evaluated: 2024-11-08. Review status: criteria provided, single submitter. Criteria: ACMG Guidelines, 2015. Collection method: clinical testing. Allele origin: germline.

Genome-Nilou Lab
Classification: Likely benign for Primary ciliary dyskinesia 3. Last evaluated: 2021-05-18. Review status: criteria provided, single submitter. Criteria: ACMG Guidelines, 2015. Collection method: clinical testing. Allele origin: germline. Affected: no.

GeneDx
Classification: Likely benign. Last evaluated: 2021-03-05. Review status: criteria provided, single submitter. Criteria: GeneDx Variant Classification Process June 2021. Collection method: clinical testing. Allele origin: germline. Affected: yes.

Illumina Laboratory Services, Illumina
Classification: Uncertain significance for Primary ciliary dyskinesia 3. Last evaluated: 2018-01-13. Review status: criteria provided, single submitter. Criteria: ICSL Variant Classification Criteria 13 December 2019. Collection method: clinical testing. Allele origin: germline.

Ambry Genetics
Classification: Likely benign for Primary ciliary dyskinesia. Last evaluated: 2014-09-12. Review status: criteria provided, single submitter. Criteria: Ambry Variant Classification Scheme 2023. Collection method: clinical testing. Allele origin: germline.

Laboratory for Molecular Medicine, Mass General Brigham Personalized Medicine
Classification: Benign. Last evaluated: 2013-02-21. Review status: criteria provided, single submitter. Criteria: LMM Criteria. Collection method: clinical testing. Allele origin: germline. Observed: 1 variant allele.
Comment: Asn208Asn in exon 5 of DNAH5: This variant is not expected to have clinical sign ificance because it does not alter an amino acid residue and is not located with in the splice consensus sequence. It has been identified in 0.3% (27/8600) of Eu ropean American chromosomes from a broad population by the NHLBI Exome Sequencin g Project (dbSNP rs139640247).

PreventionGenetics, part of Exact Sciences
Classification: Likely benign. Review status: criteria provided, single submitter. Criteria: ACMG Guidelines, 2015. Collection method: clinical testing. Allele origin: germline.

Natera, Inc.
Classification: Likely benign for Primary ciliary dyskinesia. Last evaluated: 2020-06-05. Review status: no assertion criteria provided. Collection method: clinical testing. Allele origin: germline. Not counted in ClinVar's aggregate classification.